The following is an entry in ClinVar:

NM_000443.4(ABCB4):c.1119+1G>A

Gene: ABCB4 (ATP binding cassette subfamily B member 4; minus strand). Cytogenetic location: 7q21.12.
Variant type: single nucleotide variant.
Coding change: c.1119+1G>A on transcript NM_000443.4 (MANE Select); the canonical splice donor site of the intron after coding-DNA position 1119, G replaced by A.
Molecular consequence: splice donor variant.
Genome position (GRCh38, 1-based): chr7:87,444,861, C>T on the plus strand (G>A on the coding strand, the complement: ABCB4 is on the minus strand). VCF-style: chr7-87444861-C-T. GRCh37 (hg19) VCF-style: chr7-87074177-C-T.
Other names: c.1119+1G>A (NM_018850.3, NM_018849.3).
Identifiers: ClinVar variation 4846331 (VCV004846331.1).

ClinVar aggregate classification (germline): Pathogenic (1 of 4 stars; one submission).

Conditions:
Familial intrahepatic cholestasis. Identifiers: Orphanet 284385, MedGen CN296401, MONDO:0017290.

Submission:

Genomenon, Inc
Classification: Pathogenic for Familial intrahepatic cholestasis. Last evaluated: 2026-04-14. Review status: criteria provided, single submitter. Criteria: Genomenon Sequence Variant Interpretation Standards - Updated. Collection method: curation. Allele origin: germline. Affected: yes.
Comment: ABCB4 c.1119+1G>A is a canonical splice variant affecting the donor splice site of intron 10. It is predicted to affect mRNA splicing, leading to a deleterious effect on the ABCB4 protein. This variant has been observed in at least one proband with an ABCB4-related disorder (PMID:33757843). It is absent or not present at a significant frequency in gnomAD. In conclusion, we classify ABCB4 c.1119+1G>A as a pathogenic variant.

Literature cited by the submitters: PubMed 33757843.